The following is an entry in ClinVar:

ClinVar aggregate classification (germline): Uncertain significance (1 of 4 stars; one submission).

Allele frequency attached by ClinVar (database versions not stated): gnomAD exomes below 0.00001; gnomAD 0.00001.
gnomAD v4.1: 2 of 1,614,010 alleles (0.00012%); highest among the groups gnomAD compares: African/African-American, 0.0027%; no homozygotes.

Submission:

Labcorp Genetics (formerly Invitae), Labcorp
Classification: Uncertain significance. Last evaluated: 2022-01-21. Review status: criteria provided, single submitter. Criteria: Invitae Variant Classification Sherloc (09022015). Collection method: clinical testing. Allele origin: germline.
Comment: This variant has not been reported in the literature in individuals affected with SPTB-related conditions. In summary, the available evidence is currently insufficient to determine the role of this variant in disease. Therefore, it has been classified as a Variant of Uncertain Significance. Algorithms developed to predict the effect of missense changes on protein structure and function output the following: SIFT: "Tolerated"; PolyPhen-2: "Benign"; Align-GVGD: "Class C0". The glutamine amino acid residue is found in multiple mammalian species, which suggests that this missense change does not adversely affect protein function. This variant is not present in population databases (gnomAD no frequency). This sequence change replaces histidine, which is basic and polar, with glutamine, which is neutral and polar, at codon 1388 of the SPTB protein (p.His1388Gln).

NM_001355436.2(SPTB):c.4164T>A (p.His1388Gln)

Gene: SPTB (spectrin beta, erythrocytic; minus strand). Cytogenetic location: 14q23.3.
Variant type: single nucleotide variant.
Coding change: c.4164T>A on transcript NM_001355436.2 (MANE Select); coding-DNA position 4164, T replaced by A.
Protein change: p.His1388Gln; replaces histidine 1388 with glutamine.
Molecular consequence: missense variant.
Genome position (GRCh38, 1-based): chr14:64,782,392, A>T on the plus strand (T>A on the coding strand, the complement: SPTB is on the minus strand). VCF-style: chr14-64782392-A-T. GRCh37 (hg19) VCF-style: chr14-65249110-A-T.
Other names: c.4164T>A, p.His1388Gln (NM_001024858.4, NM_001355437.2); short protein forms H1388Q.
Identifiers: ClinVar variation 1953338 (VCV001953338.5), dbSNP rs2082487225, ClinGen allele CA390044874.